The following is an entry in ClinVar:

NM_000545.8(HNF1A):c.1896A>G (p.Ter632=)

Genes: C12orf43 (chromosome 12 open reading frame 43; minus strand), HNF1A (HNF1 homeobox A; plus strand). Cytogenetic location: 12q24.31.
Variant type: single nucleotide variant.
Coding change: c.1896A>G on transcript NM_000545.8 (MANE Select); coding-DNA position 1896, A replaced by G.
Protein change: p.Ter632=.
Molecular consequence: synonymous variant. On other transcripts: 3 prime UTR variant (3).
Genome position (GRCh38, 1-based): chr12:121,001,192, A>G. VCF-style: chr12-121001192-A-G. GRCh37 (hg19) VCF-style: chr12-121438995-A-G.
Other names: NM_000545.8(HNF1A):c.1896A>G; p.Ter632=; c.*2961T>C (NM_001286191.2, NM_001286196.2, NM_022895.3); c.1917A>G, p.Ter639= (NM_001306179.2); c.1704A>G, p.Ter568= (NM_001406915.1).
Identifiers: ClinVar variation 134507 (VCV000134507.6), dbSNP rs587778395, ClinGen allele CA160007.

ClinVar aggregate classification (germline): Uncertain significance. Review status: reviewed by expert panel (3 of 4 stars). 3 submissions from 3 submitters: Uncertain significance (1). 2 of the submissions do not count toward it. Last evaluated 2025-09-02.

Conditions:
Monogenic diabetes. Identifiers: Orphanet 183625, MedGen C3888631, MONDO:0015967.
Maturity-onset diabetes of the young (MODY). Also called: Maturity onset diabetes mellitus in young. Identifiers: Orphanet 552, MedGen C0342276, MONDO:0018911, HP:0004904.

Allele frequency attached by ClinVar (database versions not stated): gnomAD exomes 0.00001; TOPMed 0.00001; gnomAD 0.00001; ExAC 0.00002.

Submissions (3):

ClinGen Monogenic Diabetes Variant Curation Expert Panel
Classification: Uncertain significance for Monogenic diabetes. Last evaluated: 2025-09-02. Review status: reviewed by expert panel. Criteria: ClinGen Diabetes ACMG Specifications HNF1A V3.0.0. Collection method: curation. Allele origin: germline. Inheritance: Autosomal dominant inheritance.
Comment: The c.1896A>G variant in the HNF1 homeobox A gene, HNF1A, is a synonymous (silent) variant at codon 632 (p.Ter632=) of NM_000545.8. The computational splicing predictor SpliceAI gives a score of 0.01 for acceptor loss/gain, suggesting that the variant has no impact on splicing (BP4). However, BP7 was not applied for this synonymous variant because phyloP100way suggests conservation with a score >2.0 (2.801). This variant has a gnomAD v4.1.0 Grpmax filtering allele frequency of 0.00000247, which is below the ClinGen MDEP threshold of 0.000003 (PM2_Supporting). In summary, c.1896A>G meets the criteria to be classified as a variant of uncertain significance for monogenic diabetes. ACMG/AMP criteria applied, as specified by the ClinGen MDEP (specification version 3.0.0, approved 6/30/2025): BP4, PM2_Supporting.

Ambry Genetics
Classification: Likely benign for Maturity-onset diabetes of the young. Last evaluated: 2025-09-03. Review status: criteria provided, single submitter. Criteria: Ambry Variant Classification Scheme 2023. Collection method: clinical testing. Allele origin: germline. Not counted in ClinVar's aggregate classification.

ITMI
No classification provided. Condition: AllHighlyPenetrant. Last evaluated: 2013-09-19. Review status: no classification provided. Collection method: reference population. Allele origin: germline. Not counted in ClinVar's aggregate classification.
Comment: Please see associated publication for description of ethnicities

Literature cited by the submitters: PubMed 24728327 (cited by ITMI).